The following is an entry in ClinVar:

ClinVar aggregate classification (germline): Uncertain significance. Review status: criteria provided, multiple submitters, no conflicts (2 of 4 stars). 3 submissions from 3 submitters: Uncertain significance (3). Last evaluated 2025-04-01.

Conditions:
Cardiovascular phenotype. Identifiers: MedGen CN230736.
Ehlers-Danlos syndrome, classic type, 1 (EDSCL1). Also called: EHLERS-DANLOS SYNDROME, GRAVIS TYPE; EHLERS-DANLOS SYNDROME, SEVERE CLASSIC TYPE; Ehlers-Danlos syndrome, type 1; Ehlers-Danlos Syndrome, Classic Type, COL5A1-Related; EDS I. Identifiers: MedGen C0268335, MONDO:0019567, OMIM 130000.
Osteogenesis imperfecta type I (OI1). Also called: OI, TYPE I; OSTEOGENESIS IMPERFECTA TARDA; OSTEOGENESIS IMPERFECTA WITH BLUE SCLERAE; Osteogenesis imperfecta type 1; Lobstein's Disease; Lobstein disease. Identifiers: Orphanet 216796, Orphanet 666, MedGen C0023931, MONDO:0008146, OMIM 166200. Disease mechanism: loss of function.

gnomAD v4.1: 29 of 1,614,106 alleles (0.0018%); highest among the groups gnomAD compares: Non-Finnish European, 0.0023%; no homozygotes.

Submissions (3):

Ambry Genetics
Classification: Uncertain significance for Cardiovascular phenotype. Last evaluated: 2025-04-01. Review status: criteria provided, single submitter. Criteria: Ambry Variant Classification Scheme 2023. Collection method: clinical testing. Allele origin: germline.
Comment: The p.A869T variant (also known as c.2605G>A), located in coding exon 41 of the COL1A2 gene, results from a G to A substitution at nucleotide position 2605. The alanine at codon 869 is replaced by threonine, an amino acid with similar properties. This amino acid position is not well conserved in available vertebrate species. In addition, the in silico prediction for this alteration is inconclusive. Based on the available evidence, the clinical significance of this variant remains unclear.

Labcorp Genetics (formerly Invitae), Labcorp
Classification: Uncertain significance for Osteogenesis imperfecta type I; Ehlers-Danlos syndrome, classic type, 1. Last evaluated: 2024-12-17. Review status: criteria provided, single submitter. Criteria: Invitae Variant Classification Sherloc (09022015). Collection method: clinical testing. Allele origin: germline.
Comment: This sequence change replaces alanine, which is neutral and non-polar, with threonine, which is neutral and polar, at codon 869 of the COL1A2 protein (p.Ala869Thr). This variant is present in population databases (rs780389631, gnomAD 0.004%). This variant has not been reported in the literature in individuals affected with COL1A2-related conditions. Invitae Evidence Modeling of protein sequence and biophysical properties (such as structural, functional, and spatial information, amino acid conservation, physicochemical variation, residue mobility, and thermodynamic stability) indicates that this missense variant is not expected to disrupt COL1A2 protein function with a negative predictive value of 95%. In summary, the available evidence is currently insufficient to determine the role of this variant in disease. Therefore, it has been classified as a Variant of Uncertain Significance.

GeneDx
Classification: Uncertain significance. Last evaluated: 2024-09-04. Review status: criteria provided, single submitter. Criteria: GeneDx Variant Classification Process June 2021. Collection method: clinical testing. Allele origin: germline. Affected: yes.
Comment: Has not been previously published as pathogenic or benign to our knowledge; Not observed at significant frequency in large population cohorts (gnomAD); In silico analysis indicates that this missense variant does not alter protein structure/function

NM_000089.4(COL1A2):c.2605G>A (p.Ala869Thr)

Gene: COL1A2 (collagen type I alpha 2 chain; plus strand). Cytogenetic location: 7q21.3.
Variant type: single nucleotide variant.
Coding change: c.2605G>A on transcript NM_000089.4 (MANE Select); coding-DNA position 2605, G replaced by A.
Protein change: p.Ala869Thr; replaces alanine 869 with threonine.
Molecular consequence: missense variant.
Genome position (GRCh38, 1-based): chr7:94,424,375, G>A. VCF-style: chr7-94424375-G-A. GRCh37 (hg19) VCF-style: chr7-94053687-G-A.
Other names: short protein forms A869T.
Identifiers: ClinVar variation 3762017 (VCV003762017.4).
Genomic context (GRCh38, chr7:94,424,375, plus strand): 5'-CAGTATTTTTTCTCTATTTAGGGACCTCCTGGCACTCCAGGTCCTCAGGGTCTTCTTGGT[G>A]CTCCTGGTATTCTGGGTCTCCCTGGCTCGAGAGGTGAACGTGGTCTACCAGGTGTTGCTG-3'
Protein context (NP_000080.2, residues 859-879): GTPGPQGLLG[Ala869Thr]PGILGLPGSR